The following is an entry in ClinVar:

ClinVar aggregate classification (germline): Benign. Review status: criteria provided, multiple submitters, no conflicts (2 of 4 stars). 7 submissions from 7 submitters: Benign (6). 1 of the submissions does not count toward it. Last evaluated 2026-02-04.

Conditions:
APOL1-related disorder. Also called: APOL1-related condition.

Allele frequency attached by ClinVar (database versions not stated): gnomAD exomes 0.81615 and 0.83366; ExAC 0.83189; ESP Exome Variant Server 0.83977; gnomAD 0.84619 and 0.84806; TOPMed 0.85197; 1000 Genomes Project 0.85323; 1000 Genomes Project 30x 0.85821.
gnomAD v4.1: 1,321,719 of 1,613,966 alleles (82%); highest among the groups gnomAD compares: African/African-American, 93%; 542,476 homozygotes.

Submissions (7):

Labcorp Genetics (formerly Invitae), Labcorp
Classification: Benign. Last evaluated: 2026-02-04. Review status: criteria provided, single submitter. Criteria: Invitae Variant Classification Sherloc (09022015). Collection method: clinical testing. Allele origin: germline.

Blueprint Genetics
Classification: Benign. Last evaluated: 2024-11-28. Review status: criteria provided, single submitter. Criteria: ACMG Guidelines, 2015. Collection method: clinical testing. Allele origin: germline.

Unidad de Genómica Garrahan, Hospital de Pediatría Garrahan
Classification: Benign. Last evaluated: 2024-07-15. Review status: criteria provided, single submitter. Criteria: ACMG Guidelines, 2015. Collection method: clinical testing. Allele origin: germline. Affected: no. Observed: 92 variant alleles.
Comment: This variant is classified as Benign based on local population frequency. This variant was detected in 99% of patients studied in a panel designed for Epileptic and Developmental Encephalopathy and Progressive Myoclonus Epilepsy. Number of patients: 92. Only high quality variants are reported.

GeneDx
Classification: Benign. Last evaluated: 2018-11-10. Review status: criteria provided, single submitter. Criteria: GeneDx Variant Classification Process June 2021. Collection method: clinical testing. Allele origin: germline. Affected: yes.

Laboratory for Molecular Medicine, Mass General Brigham Personalized Medicine
Classification: Benign. Last evaluated: 2016-03-21. Review status: criteria provided, single submitter. Criteria: LMM Criteria. Collection method: clinical testing. Allele origin: germline. Observed: 1 variant allele.
Comment: p.Arg320Arg in exon 6 of APOL1: This variant is not expected to have clinical si gnificance because it does not alter an amino acid residue, is not located withi n the splice consensus sequence, and has been identified in 94.86% (1254/1322) o f African chromosomes by the 1000 Genomes Project (Phase 3; dbSNP rs136177).

Breakthrough Genomics
Classification: Benign. Review status: criteria provided, single submitter. Criteria: ACMG Guidelines, 2015. Collection method: not provided. Allele origin: germline. Inheritance: Unknown mechanism. Affected: yes.

PreventionGenetics, part of Exact Sciences
Classification: Benign for APOL1-related condition. Last evaluated: 2023-06-05. Review status: no assertion criteria provided. Collection method: clinical testing. Allele origin: germline. Not counted in ClinVar's aggregate classification.
Comment: This variant is classified as benign based on ACMG/AMP sequence variant interpretation guidelines (Richards et al. 2015 PMID: 25741868, with internal and published modifications).

NM_003661.4(APOL1):c.960G>A (p.Arg320=)

Gene: APOL1 (apolipoprotein L1; plus strand). Cytogenetic location: 22q12.3.
Variant type: single nucleotide variant.
Coding change: c.960G>A on transcript NM_003661.4 (MANE Select); coding-DNA position 960, G replaced by A.
Protein change: p.Arg320=; no amino-acid change (arginine 320 retained).
Molecular consequence: synonymous variant.
Genome position (GRCh38, 1-based): chr22:36,265,796, G>A. VCF-style: chr22-36265796-G-A. GRCh37 (hg19) VCF-style: chr22-36661842-G-A.
Other names: c.960G>A, p.Arg320= (NM_001136540.2); c.906G>A, p.Arg302= (NM_001136541.2, NM_001362927.2); c.1008G>A, p.Arg336= (NM_145343.3); c.1008G>A (NM_145343.2).
Identifiers: ClinVar variation 666614 (VCV000666614.22), dbSNP rs136177, ClinGen allele CA10208796.
Genomic context (GRCh38, chr22:36,265,796, plus strand): 5'-AGCCTCACGCCCCCGGGTCACTGAGCCAATCTCAGCTGAAAGCGGTGAACAGGTGGAGAG[G>A]GTTAATGAACCCAGCATCCTGGAAATGAGCAGAGGAGTCAAGCTCACGGATGTGGCCCCT-3'
Protein context (NP_003652.2, residues 310-330): ISAESGEQVE[Arg320=]VNEPSILEMS